The following is an entry in ClinVar:

NM_000138.5(FBN1):c.2327G>C (p.Cys776Ser)

Gene: FBN1 (fibrillin 1; minus strand). Cytogenetic location: 15q21.1.
Variant type: single nucleotide variant.
Coding change: c.2327G>C on transcript NM_000138.5 (MANE Select); coding-DNA position 2327, G replaced by C.
Protein change: p.Cys776Ser; replaces cysteine 776 with serine.
Molecular consequence: missense variant.
Genome position (GRCh38, 1-based): chr15:48,496,192, C>G on the plus strand (G>C on the coding strand, the complement: FBN1 is on the minus strand). VCF-style: chr15-48496192-C-G. GRCh37 (hg19) VCF-style: chr15-48788389-C-G.
Other names: c.2327G>C, p.Cys776Ser (NM_001406716.1); short protein forms C776S.
Identifiers: ClinVar variation 4852459 (VCV004852459.1).

ClinVar aggregate classification (germline): Likely pathogenic (1 of 4 stars; one submission).

Conditions:
Marfan syndrome (MFS). Also called: FBN1-Related Marfan Syndrome; MARFAN SYNDROME, TYPE I; Marfan syndrome type 1; Marfan's syndrome; Marfan syndrome, classic. Identifiers: Orphanet 284963, Orphanet 558, MedGen C0024796, MONDO:0007947, OMIM 154700.

Submission:

Clinical Genomics Laboratory, Stanford Medicine
Classification: Likely pathogenic for Marfan syndrome. Last evaluated: 2023-07-07. Review status: criteria provided, single submitter. Criteria: ACMG Guidelines, 2015. Collection method: clinical testing. Allele origin: maternal. Inheritance: Autosomal dominant inheritance. Affected: yes. Observed: 2 variant alleles, 2 heterozygotes. Clinical features observed: Refractory multifocal epilepsy, Marfan syndrome.
Comment: The p.Cys776Ser variant in the FBN1 gene has not been previously reported in association with disease. This variant was absent from large population databases, including the Genome Aggregation Database. The FBN1 gene has fewer missense variants in the general population than expected. A low rate of missense variation may suggest that this gene is intolerant to missense variation. This variant affects a cysteine residue within a cb-EGF-like domain of the FBN1 protein. Similar variants, including other variants at this amino acid residue (p.Cys776Tyr, p.Cys776Phe), are known to be associated with disease (PMID: 29875124). The cysteine at position 776 is evolutionarily conserved. Computational tools predict that the p.Cys776Ser variant is deleterious; however, the accuracy of in silico algorithms is limited. These data were assessed using the ACMG/AMP variant interpretation guidelines. In summary, there is sufficient evidence to classify the p.Cys776Ser variant as likely pathogenic for autosomal dominant Marfan syndrome based on the information above. [ACMG evidence codes used: PM1_Strong; PM2; PP2; PP3]

Literature cited by the submitters: PubMed 29875124.